The following is an entry in ClinVar:

ClinVar aggregate classification (germline): Uncertain significance (1 of 4 stars; one submission).

Submission:

GeneDx
Classification: Uncertain significance. Last evaluated: 2021-05-28. Review status: criteria provided, single submitter. Criteria: GeneDx Variant Classification Process June 2021. Collection method: clinical testing. Allele origin: germline. Affected: yes.
Comment: In silico analysis supports that this missense variant does not alter protein structure/function; Has not been previously published as pathogenic or benign to our knowledge

NM_001382391.1(CSPP1):c.1957G>A (p.Ala653Thr)

Gene: CSPP1 (centrosome and spindle pole associated protein 1; plus strand). Cytogenetic location: 8q13.2.
Variant type: single nucleotide variant.
Coding change: c.1957G>A on transcript NM_001382391.1 (MANE Select); coding-DNA position 1957, G replaced by A.
Protein change: p.Ala653Thr; replaces alanine 653 with threonine.
Molecular consequence: missense variant.
Genome position (GRCh38, 1-based): chr8:67,137,585, G>A. VCF-style: chr8-67137585-G-A. GRCh37 (hg19) VCF-style: chr8-68049820-G-A.
Other names: c.1060G>A, p.Ala354Thr (NM_001291339.2); c.1876G>A, p.Ala626Thr (NM_001363131.2); c.1915G>A, p.Ala639Thr (NM_001363132.2); c.1834G>A, p.Ala612Thr (NM_001363133.2); c.2023G>A, p.Ala675Thr (NM_001364869.1); c.1843G>A, p.Ala615Thr (NM_001364870.1); c.1942G>A, p.Ala648Thr (NM_024790.7); short protein forms A354T, A612T, A615T, A626T, A639T, A648T, A653T, A675T.
Identifiers: ClinVar variation 1326680 (VCV001326680.2), dbSNP rs1435348585, ClinGen allele CA371206010.